The following is an entry in ClinVar:

NM_012309.5(SHANK2):c.4462G>A (p.Asp1488Asn)

Gene: SHANK2 (SH3 and multiple ankyrin repeat domains 2; minus strand). Cytogenetic location: 11q13.3.
Variant type: single nucleotide variant.
Coding change: c.4462G>A on transcript NM_012309.5 (MANE Select); coding-DNA position 4462, G replaced by A.
Protein change: p.Asp1488Asn; replaces aspartic acid 1488 with asparagine.
Molecular consequence: missense variant.
Genome position (GRCh38, 1-based): chr11:70,485,831, C>T on the plus strand (G>A on the coding strand, the complement: SHANK2 is on the minus strand). VCF-style: chr11-70485831-C-T. GRCh37 (hg19) VCF-style: chr11-70331936-C-T.
Other names: c.3325G>A, p.Asp1109Asn (NM_001379226.1); c.2698G>A, p.Asp900Asn (NM_133266.5); short protein forms D1109N, D1488N, D900N.
Identifiers: ClinVar variation 2664679 (VCV002664679.3), dbSNP rs1261108223.
Genomic context (GRCh38, chr11:70,485,831, plus strand): 5'-TGGTCGTCTCGAGGTGGTGGTCGCTGCTACTCCGGCTGTCCACCTCCTCGATCCCAGAGT[C>T]GGCGACGGCGTCAAAGCTTTCAGGGGGTGGCAGGAATGAGGCAGGCAGACAGTTTGAAAG-3'
Protein context (NP_036441.2, residues 1478-1498): PPPESFDAVA[Asp1488Asn]SGIEEVDSRS

ClinVar aggregate classification (germline): Uncertain significance. Review status: criteria provided, single submitter (1 of 4 stars). 2 submissions from 2 submitters: Uncertain significance (1). 1 of the submissions does not count toward it. Last evaluated 2025-03-12.

Conditions:
Autism, susceptibility to, 17. Also called: Autism susceptibility 17. Identifiers: MedGen C3150693, MONDO:0013265, OMIM 613436.

Allele frequency attached by ClinVar (database versions not stated): TOPMed 0.00001; gnomAD exomes below 0.00001.
gnomAD v4.1: 2 of 1,613,924 alleles (0.00012%); highest among the groups gnomAD compares: Non-Finnish European, 0.000085%; no homozygotes.

Submissions (2):

Clinical Genomics Laboratory, Washington University in St. Louis
Classification: Uncertain significance for Autism, susceptibility to, 17. Last evaluated: 2025-03-12. Review status: criteria provided, single submitter. Criteria: ACMG Guidelines, 2015. Collection method: clinical testing. Allele origin: germline.
Comment: The SHANK2 c.4462G>A (p.Asp1488Asn) variant, to our knowledge, has not been reported in the medical literature but has been reported in the ClinVar database as a germline variant of uncertain significance by one submitter. This variant is only observed on 1/251,304 alleles in the general population (gnomAD v.2.1.1), indicating it is not a common variant. This region is slightly constrained to missense variation (gnomAD browser) and conserved across species, but computational predictors suggest that the variant does not impact SHANK2 function. Due to limited information, and based on ACMG/AMP guidelines for variant interpretation (Richards S et al., PMID: 25741868), the clinical significance of this variant is uncertain at this time.

Genetics and Genomic Medicine Centre, NeuroGen Healthcare, NeuroGen Healthcare
Classification: Uncertain significance. Last evaluated: 2021-02-28. Review status: no assertion criteria provided. Collection method: clinical testing. Allele origin: unknown. Affected: yes. Not counted in ClinVar's aggregate classification.